The following is an entry in ClinVar:

NM_000687.4(AHCY):c.*301T>G

Gene: AHCY (adenosylhomocysteinase; minus strand). Cytogenetic location: 20q11.22.
Variant type: single nucleotide variant.
Coding change: c.*301T>G on transcript NM_000687.4 (MANE Select); 301 bases downstream of the stop codon, T replaced by G.
Molecular consequence: 3 prime UTR variant. On other transcripts: intron variant (1).
Genome position (GRCh38, 1-based): chr20:34,280,733, A>C on the plus strand (T>G on the coding strand, the complement: AHCY is on the minus strand). VCF-style: chr20-34280733-A-C. GRCh37 (hg19) VCF-style: chr20-32868539-A-C.
Other names: c.*301T>G (NM_001161766.2, NM_001322084.2, NM_001322085.2 and 1 more transcripts); c.*8-83T>G (NM_001362750.2).
Identifiers: ClinVar variation 338267 (VCV000338267.6), dbSNP rs13245, ClinGen allele CA10649631.

ClinVar aggregate classification (germline): Benign. Review status: criteria provided, multiple submitters, no conflicts (2 of 4 stars). 2 submissions from 2 submitters: Benign (2). Last evaluated 2018-01-12.

Conditions:
Hypermethioninemia with deficiency of S-adenosylhomocysteine hydrolase. Identifiers: Orphanet 88618, MedGen C3151058, MONDO:0013404, OMIM 613752.

Allele frequency attached by ClinVar (database versions not stated): gnomAD exomes 0.00139; 1000 Genomes Project 0.01138; 1000 Genomes Project 30x 0.01249; TOPMed 0.01307.
gnomAD v4.1: 2,154 of 445,170 alleles (0.48%); highest among the groups gnomAD compares: African/African-American, 3.8%; 37 homozygotes.

Submissions (2):

Illumina Laboratory Services, Illumina
Classification: Benign for Hypermethioninemia with deficiency of S-adenosylhomocysteine hydrolase. Last evaluated: 2018-01-12. Review status: criteria provided, single submitter. Criteria: ICSL Variant Classification Criteria 13 December 2019. Collection method: clinical testing. Allele origin: germline.
Comment: This variant was observed in the ICSL laboratory as part of a predisposition screen in an ostensibly healthy population. It had not been previously curated by ICSL or reported in the Human Gene Mutation Database (HGMD: prior to June 1st, 2018), and was therefore a candidate for classification through an automated scoring system. Utilizing variant allele frequency, disease prevalence and penetrance estimates, and inheritance mode, an automated score was calculated to assess if this variant is too frequent to cause the disease. Based on the score and internal cut-off values, a variant classified as benign is not then subjected to further curation. The score for this variant resulted in a classification of benign for this disease.

Breakthrough Genomics
Classification: Benign. Review status: criteria provided, single submitter. Criteria: ACMG Guidelines, 2015. Collection method: not provided. Allele origin: germline. Inheritance: Autosomal recessive inheritance. Affected: yes.